The following is an entry in ClinVar:

ClinVar aggregate classification (germline): Uncertain significance (1 of 4 stars; one submission).

Conditions:
Nemaline myopathy 2 (NEM2). Also called: Nemaline myopathy 2, autosomal recessive. Identifiers: MedGen C1850569, MONDO:0009725, OMIM 256030.

Allele frequency attached by ClinVar (database versions not stated): ExAC 0.00001; gnomAD 0.00001; gnomAD exomes 0.00001; TOPMed 0.00001.
gnomAD v4.1: 13 of 1,606,962 alleles (0.00081%); highest among the groups gnomAD compares: East Asian, 0.0067%; no homozygotes.

Submissions (2):

Labcorp Genetics (formerly Invitae), Labcorp
Classification: Uncertain significance for Nemaline myopathy 2. Last evaluated: 2022-07-19. Review status: criteria provided, single submitter. Criteria: Invitae Variant Classification Sherloc (09022015). Collection method: clinical testing. Allele origin: germline.
Comment: This sequence change affects codon 7918 of the NEB mRNA. It is a 'silent' change, meaning that it does not change the encoded amino acid sequence of the NEB protein. This variant also falls at the last nucleotide of exon 165, which is part of the consensus splice site for this exon. This variant is present in population databases (rs778102984, gnomAD 0.002%). This variant has not been reported in the literature in individuals affected with NEB-related conditions. ClinVar contains an entry for this variant (Variation ID: 1472326). Variants that disrupt the consensus splice site are a relatively common cause of aberrant splicing (PMID: 17576681, 9536098). Algorithms developed to predict the effect of sequence changes on RNA splicing suggest that this variant may disrupt the consensus splice site. In summary, the available evidence is currently insufficient to determine the role of this variant in disease. Therefore, it has been classified as a Variant of Uncertain Significance.

Dr. Peter K. Rogan Lab, Western University
No classification provided (evidence only). Condition: Uterine corpus endometrial carcinoma. Review status: no classification provided. Collection method: in vitro. Allele origin: not applicable. Functional consequence: skipped exon, retained intron. Not counted in ClinVar's aggregate classification.

Literature cited by the submitters: PubMed 17576681 (cited by Labcorp Genetics (formerly Invitae), Labcorp); PubMed 9536098 (cited by Labcorp Genetics (formerly Invitae), Labcorp).

NM_001164508.2(NEB):c.23649G>A (p.Ser7883=)

Genes: NEB (nebulin; minus strand), RIF1 (replication timing regulatory factor 1; plus strand). Cytogenetic location: 2q23.3.
Variant type: single nucleotide variant.
Coding change: c.23649G>A on transcript NM_001164508.2 (MANE Select); coding-DNA position 23649, G replaced by A.
Protein change: p.Ser7883=; no amino-acid change (serine 7883 retained).
Molecular consequence: synonymous variant.
Genome position (GRCh38, 1-based): chr2:151,506,166, C>T on the plus strand (G>A on the coding strand, the complement: NEB is on the minus strand). VCF-style: chr2-151506166-C-T. GRCh37 (hg19) VCF-style: chr2-152362680-C-T.
Other names: c.23649G>A, p.Ser7883= (NM_001164507.2); c.23754G>A, p.Ser7918= (NM_001271208.2); c.18546G>A, p.Ser6182= (NM_004543.5).
Identifiers: ClinVar variation 1472326 (VCV001472326.4), dbSNP rs778102984, ClinGen allele CA1906304.